The following is an entry in ClinVar:

NM_001042492.3(NF1):c.6207A>G (p.Leu2069=)

Gene: NF1 (neurofibromin 1; plus strand). Cytogenetic location: 17q11.2.
Variant type: single nucleotide variant.
Coding change: c.6207A>G on transcript NM_001042492.3 (MANE Select); coding-DNA position 6207, A replaced by G.
Protein change: p.Leu2069=; no amino-acid change (leucine 2069 retained).
Molecular consequence: synonymous variant.
Genome position (GRCh38, 1-based): chr17:31,336,694, A>G. VCF-style: chr17-31336694-A-G. GRCh37 (hg19) VCF-style: chr17-29663712-A-G.
Other names: c.6144A>G, p.Leu2048= (NM_000267.4).
Identifiers: ClinVar variation 699713 (VCV000699713.13), dbSNP rs1597842793, ClinGen allele CA499446249.

ClinVar aggregate classification (germline): Benign/Likely benign. Review status: criteria provided, multiple submitters, no conflicts (2 of 4 stars). 3 submissions from 3 submitters: Benign (1); Likely benign (2). Last evaluated 2026-05-21.

Conditions:
Neurofibromatosis, type 1 (NF1). Also called: Neurofibromatosis, type I; VON RECKLINGHAUSEN DISEASE; NEUROFIBROMATOSIS, TYPE I, SOMATIC; Peripheral type neurofibromatosis. Identifiers: Orphanet 636, MedGen C0027831, MONDO:0018975, OMIM 162200. Disease mechanism: loss of function.
Hereditary cancer-predisposing syndrome. Also called: Hereditary Cancer Syndrome; Hereditary neoplastic syndrome; Neoplastic Syndromes, Hereditary; Tumor predisposition. Identifiers: Orphanet 140162, MedGen C0027672, MeSH D009386, MONDO:0015356.
Cardiovascular phenotype. Identifiers: MedGen CN230736.

Allele frequency attached by ClinVar (database versions not stated): gnomAD exomes below 0.00001.
gnomAD v4.1: 1 of 1,613,828 alleles (0.000062%); highest among the groups gnomAD compares: Admixed American, 0.0017%; no homozygotes.

Submissions (3):

Myriad Genetics, Inc.
Classification: Benign for Neurofibromatosis, type 1. Last evaluated: 2026-05-21. Review status: criteria provided, single submitter. Criteria: Myriad Autosomal Dominant, Autosomal Recessive and X-Linked Classification Criteria (2023). Collection method: clinical testing. Allele origin: unknown.
Comment: This variant is considered benign. This variant is a silent/synonymous amino acid change and it is not expected to impact splicing.

Labcorp Genetics (formerly Invitae), Labcorp
Classification: Likely benign for Neurofibromatosis, type 1. Last evaluated: 2026-01-19. Review status: criteria provided, single submitter. Criteria: Invitae Variant Classification Sherloc (09022015). Collection method: clinical testing. Allele origin: germline.

Ambry Genetics
Classification: Likely benign for Cardiovascular phenotype; Hereditary cancer-predisposing syndrome. Last evaluated: 2020-05-16. Review status: criteria provided, single submitter. Criteria: Ambry Variant Classification Scheme 2023. Collection method: clinical testing. Allele origin: germline.